The following is an entry in ClinVar:

NM_198999.3(SLC26A5):c.585C>T (p.Val195=)

Gene: SLC26A5 (solute carrier family 26 member 5; minus strand). Cytogenetic location: 7q22.1.
Variant type: single nucleotide variant.
Coding change: c.585C>T on transcript NM_198999.3 (MANE Select); coding-DNA position 585, C replaced by T.
Protein change: p.Val195=; no amino-acid change (valine 195 retained).
Molecular consequence: synonymous variant. On other transcripts: non-coding transcript variant (5).
Genome position (GRCh38, 1-based): chr7:103,410,535, G>A on the plus strand (C>T on the coding strand, the complement: SLC26A5 is on the minus strand). VCF-style: chr7-103410535-G-A. GRCh37 (hg19) VCF-style: chr7-103050982-G-A.
Other names: c.585C>T, p.Val195= (NM_001167962.2, NM_001321787.2, NM_206883.3 and 2 more transcripts).
Identifiers: ClinVar variation 1201789 (VCV001201789.4), dbSNP rs145693177, ClinGen allele CA4419751.

ClinVar aggregate classification (germline): Conflicting classifications of pathogenicity. Review status: criteria provided, conflicting classifications (1 of 4 stars). 2 submissions from 2 submitters: Uncertain significance (1); Likely benign (1). Last evaluated 2024-01-03.

Allele frequency attached by ClinVar (database versions not stated): gnomAD exomes 0.00001 and 0.00004; gnomAD 0.00002 and 0.00004; TOPMed 0.00004; ExAC 0.00007; 1000 Genomes Project 30x 0.00078; 1000 Genomes Project 0.00100.
gnomAD v4.1: 17 of 1,613,376 alleles (0.0011%); highest among the groups gnomAD compares: East Asian, 0.031%; no homozygotes.

Submissions (2):

Blueprint Genetics
Classification: Likely benign. Last evaluated: 2024-01-03. Review status: criteria provided, single submitter. Criteria: ACMG Guidelines, 2015. Collection method: clinical testing. Allele origin: germline.

GeneDx
Classification: Uncertain significance. Last evaluated: 2019-02-05. Review status: criteria provided, single submitter. Criteria: GeneDx Variant Classification Process June 2021. Collection method: clinical testing. Allele origin: germline. Affected: yes.
Comment: In-silico analysis, which includes splice predictors and evolutionary conservation, is inconclusive as to whether the variant alters gene splicing. In the absence of RNA/functional studies, the actual effect of this sequence change is unknown.